The following is an entry in ClinVar:

NM_024656.4(COLGALT1):c.290C>T (p.Thr97Met)

Gene: COLGALT1 (collagen beta(1-O)galactosyltransferase 1; plus strand). Cytogenetic location: 19p13.11.
Variant type: single nucleotide variant.
Coding change: c.290C>T on transcript NM_024656.4 (MANE Select); coding-DNA position 290, C replaced by T.
Protein change: p.Thr97Met; replaces threonine 97 with methionine.
Molecular consequence: missense variant.
Genome position (GRCh38, 1-based): chr19:17,559,340, C>T. VCF-style: chr19-17559340-C-T. GRCh37 (hg19) VCF-style: chr19-17670149-C-T.
Other names: short protein forms T97M.
Identifiers: ClinVar variation 2368938 (VCV002368938.4), dbSNP rs1214999229, ClinGen allele CA404694968.
Genomic context (GRCh38, chr19:17,559,340, plus strand): 5'-CAAGTACGCTGCCTGTCCCCTCTCCCTGCAGGGTGGCTACGGACCACAACATGGATAACA[C>T]GTCAACTGTGCTGCGGGAGTGGCTGGTGGCCGTGAAGAGTTTGTACCATTCCGTGGAGTG-3'
Protein context (NP_078932.2, residues 87-107): WVATDHNMDN[Thr97Met]STVLREWLVA

ClinVar aggregate classification (germline): Uncertain significance. Review status: criteria provided, multiple submitters, no conflicts (2 of 4 stars). 2 submissions from 2 submitters: Uncertain significance (2). Last evaluated 2025-11-07.

Conditions:
Inborn genetic diseases. Identifiers: MedGen C0950123, MeSH D030342.

Allele frequency attached by ClinVar (database versions not stated): TOPMed 0.00002.
gnomAD v4.1: 24 of 1,552,514 alleles (0.0015%); highest among the groups gnomAD compares: Non-Finnish European, 0.002%; no homozygotes.

Submissions (2):

Labcorp Genetics (formerly Invitae), Labcorp
Classification: Uncertain significance. Last evaluated: 2025-11-07. Review status: criteria provided, single submitter. Criteria: Invitae Variant Classification Sherloc (09022015). Collection method: clinical testing. Allele origin: germline.
Comment: This sequence change replaces threonine, which is neutral and polar, with methionine, which is neutral and non-polar, at codon 97 of the COLGALT1 protein (p.Thr97Met). This variant is not present in population databases (gnomAD no frequency). This variant has not been reported in the literature in individuals affected with COLGALT1-related conditions. ClinVar contains an entry for this variant (Variation ID: 2368938). Invitae Evidence Modeling of protein sequence and biophysical properties (such as structural, functional, and spatial information, amino acid conservation, physicochemical variation, residue mobility, and thermodynamic stability) indicates that this missense variant is expected to disrupt COLGALT1 protein function with a positive predictive value of 80%. In summary, the available evidence is currently insufficient to determine the role of this variant in disease. Therefore, it has been classified as a Variant of Uncertain Significance.

Ambry Genetics
Classification: Uncertain significance for Inborn genetic diseases. Last evaluated: 2025-03-31. Review status: criteria provided, single submitter. Criteria: Ambry Variant Classification Scheme 2023. Collection method: clinical testing. Allele origin: germline.